The following is an entry in ClinVar:

NM_000384.3(APOB):c.11828C>T (p.Ser3943Phe)

Gene: APOB (apolipoprotein B; minus strand). Cytogenetic location: 2p24.1.
Variant type: single nucleotide variant.
Coding change: c.11828C>T on transcript NM_000384.3 (MANE Select); coding-DNA position 11828, C replaced by T.
Protein change: p.Ser3943Phe; replaces serine 3943 with phenylalanine.
Molecular consequence: missense variant.
Genome position (GRCh38, 1-based): chr2:21,004,636, G>A on the plus strand (C>T on the coding strand, the complement: APOB is on the minus strand). VCF-style: chr2-21004636-G-A. GRCh37 (hg19) VCF-style: chr2-21227508-G-A.
Other names: c.11828C>T (NM_000384.2); short protein forms S3943F.
Identifiers: ClinVar variation 2037876 (VCV002037876.5), dbSNP rs1376134895, ClinGen allele CA345976649.

ClinVar aggregate classification (germline): Uncertain significance. Review status: criteria provided, multiple submitters, no conflicts (2 of 4 stars). 2 submissions from 2 submitters: Uncertain significance (2). Last evaluated 2026-02-24.

Conditions:
Cardiovascular phenotype. Identifiers: MedGen CN230736.
Familial hypobetalipoproteinemia 1. Also called: Hypobetalipoproteinemia, normotriglyceridemic; Acanthocytosis with hypobetalipoproteinemia; APOB-Related Familial Hypobetalipoproteinemia. Identifiers: MedGen C4551990, MONDO:0014252, OMIM 615558.
Hypercholesterolemia, autosomal dominant, type B (FHCL2). Also called: Familial hypercholesterolemia 2; Familial Hypercholesterolemia Type B; APOLIPOPROTEIN B-100, FAMILIAL DEFECTIVE; APOLIPOPROTEIN B-100, FAMILIAL LIGAND-DEFECTIVE; HYPERCHOLESTEROLEMIA, FAMILIAL, DUE TO LIGAND-DEFECTIVE APOLIPOPROTEIN B; Hyperlipoproteinemia Type IIb. Identifiers: MedGen C1704417, MONDO:0007751, OMIM 144010.

Allele frequency attached by ClinVar (database versions not stated): gnomAD 0.00001; TOPMed 0.00001.
gnomAD v4.1: 15 of 1,613,732 alleles (0.00093%); highest among the groups gnomAD compares: Non-Finnish European, 0.0013%; no homozygotes.

Submissions (2):

Ambry Genetics
Classification: Uncertain significance for Cardiovascular phenotype. Last evaluated: 2026-02-24. Review status: criteria provided, single submitter. Criteria: Ambry Variant Classification Scheme 2023. Collection method: clinical testing. Allele origin: germline.
Comment: The p.S3943F variant (also known as c.11828C>T), located in coding exon 27 of the APOB gene, results from a C to T substitution at nucleotide position 11828. The serine at codon 3943 is replaced by phenylalanine, an amino acid with highly dissimilar properties. This amino acid position is conserved. In addition, this alteration is predicted to be tolerated by in silico analysis. Based on the available evidence, the clinical significance of this variant remains unclear.

Labcorp Genetics (formerly Invitae), Labcorp
Classification: Uncertain significance for Familial hypobetalipoproteinemia 1; Hypercholesterolemia, autosomal dominant, type B. Last evaluated: 2022-10-03. Review status: criteria provided, single submitter. Criteria: Invitae Variant Classification Sherloc (09022015). Collection method: clinical testing. Allele origin: germline.
Comment: In summary, the available evidence is currently insufficient to determine the role of this variant in disease. Therefore, it has been classified as a Variant of Uncertain Significance. Advanced modeling of protein sequence and biophysical properties (such as structural, functional, and spatial information, amino acid conservation, physicochemical variation, residue mobility, and thermodynamic stability) performed at Invitae indicates that this missense variant is not expected to disrupt APOB protein function. This variant has not been reported in the literature in individuals affected with APOB-related conditions. This variant is not present in population databases (gnomAD no frequency). This sequence change replaces serine, which is neutral and polar, with phenylalanine, which is neutral and non-polar, at codon 3943 of the APOB protein (p.Ser3943Phe).